The following is an entry in ClinVar:

NM_001378183.1(PIEZO2):c.704-2A>G

Gene: PIEZO2 (piezo type mechanosensitive ion channel component 2; minus strand). Cytogenetic location: 18p11.22.
Variant type: single nucleotide variant.
Coding change: c.704-2A>G on transcript NM_001378183.1 (MANE Select); the canonical splice acceptor site of the intron before coding-DNA position 704, A replaced by G.
Molecular consequence: splice acceptor variant.
Genome position (GRCh38, 1-based): chr18:10,855,568, T>C on the plus strand (A>G on the coding strand, the complement: PIEZO2 is on the minus strand). VCF-style: chr18-10855568-T-C. GRCh37 (hg19) VCF-style: chr18-10855566-T-C.
Other names: c.704-2A>G (NM_022068.4, NM_001410871.1).
Identifiers: ClinVar variation 1320155 (VCV001320155.1), dbSNP rs2144694433, ClinGen allele CA402029248.
Genomic context (GRCh38, chr18:10,855,568, plus strand): 5'-GCACAGACCCAAAAATACAAAAAAATACACAGATGATGTCAAAGACGGCAACATCATGCC[T>C]AAGGAAGAGAAACGTAATCACAAAGTCAGGTAGAACTGGAAATTCACTTATCATTCAGTG-3'

ClinVar aggregate classification (germline): Pathogenic (1 of 4 stars; one submission).

Conditions:
Arthrogryposis, distal, with impaired proprioception and touch (DAIPT). Identifiers: MedGen C4310692, MONDO:0014941, OMIM 617146.

Submission:

3billion
Classification: Pathogenic for Arthrogryposis, distal, with impaired proprioception and touch. Last evaluated: 2021-10-02. Review status: criteria provided, single submitter. Criteria: ACMG Guidelines, 2015. Collection method: clinical testing. Allele origin: paternal. Affected: yes. Observed: 1 heterozygote.
Comment: Canonical splice site: predicted to alter splicing and result in a loss or disruption of normal protein function through nonsense-mediated decay (NMD) or protein truncation. Multiple pathogenic variants are reported downstream of the variant (PVS1_VS). It is not observed in the gnomAD v2.1.1 dataset (PM2). The variant was observed in trans with a pathogenic variant (NM_022068.3: c.6489-8_6490del) as compound heterozygous (3billion dataset, PM3). Therefore, this variant is classified as pathogenic according to the recommendation of ACMG/AMP guideline.